The following is an entry in ClinVar:

ClinVar aggregate classification (germline): Pathogenic (1 of 4 stars; one submission).

Submission:

Labcorp Genetics (formerly Invitae), Labcorp
Classification: Pathogenic. Last evaluated: 2023-11-01. Review status: criteria provided, single submitter. Criteria: Invitae Variant Classification Sherloc (09022015). Collection method: clinical testing. Allele origin: germline.
Comment: This variant, c.391_408del, results in the deletion of 6 amino acid(s) of the TGM1 protein (p.Thr131_Tyr136del), but otherwise preserves the integrity of the reading frame. This variant is not present in population databases (gnomAD no frequency). This variant has not been reported in the literature in individuals affected with TGM1-related conditions. This variant disrupts a region of the TGM1 protein in which other variant(s) (p.Tyr134Cys) have been determined to be pathogenic (PMID: 18948357, 19241467, 26762237, 27025581). This suggests that this is a clinically significant region of the protein, and that variants that disrupt it are likely to be disease-causing. For these reasons, this variant has been classified as Pathogenic.

Literature cited by the submitters: PubMed 18948357; PubMed 19241467; PubMed 26762237; PubMed 27025581.

NM_000359.3(TGM1):c.391_408del (p.Thr131_Tyr136del)

Gene: TGM1 (transglutaminase 1; minus strand). Cytogenetic location: 14q12.
Variant type: Deletion.
Coding change: c.391_408del on transcript NM_000359.3 (MANE Select); coding-DNA positions 391 to 408, 18 bases deleted (ACAGACGAGTATGAGTAC).
Protein change: p.Thr131_Tyr136del.
Molecular consequence: inframe deletion.
Genome position (GRCh38, 1-based): chr14:24,261,795-24,261,812, GTACTCATACTCGTCTGT deleted on the plus strand (ACAGACGAGTATGAGTAC on the coding strand, the reverse complement: TGM1 is on the minus strand); deleting any 18 consecutive bases within chr14:24,261,795-24,261,814 gives the same sequence; the c. name uses the placement nearest the transcript's 3' end. VCF-style (leftmost placement, unchanged base first): chr14-24261794-CGTACTCATACTCGTCTGT-C. GRCh37 (hg19) VCF-style: chr14-24731000-CGTACTCATACTCGTCTGT-C.
Identifiers: ClinVar variation 2992555 (VCV002992555.3), dbSNP rs1286023795, ClinGen allele CA704353338.